The following is an entry in ClinVar:

NM_032217.5(ANKRD17):c.332C>T (p.Thr111Ile)

Gene: ANKRD17 (ankyrin repeat domain 17; minus strand). Cytogenetic location: 4q13.3.
Variant type: single nucleotide variant.
Coding change: c.332C>T on transcript NM_032217.5 (MANE Select); coding-DNA position 332, C replaced by T.
Protein change: p.Thr111Ile; replaces threonine 111 with isoleucine.
Molecular consequence: missense variant.
Genome position (GRCh38, 1-based): chr4:73,258,337, G>A on the plus strand (C>T on the coding strand, the complement: ANKRD17 is on the minus strand). VCF-style: chr4-73258337-G-A. GRCh37 (hg19) VCF-style: chr4-74124054-G-A.
Other names: c.332C>T, p.Thr111Ile (NM_015574.2, NM_198889.3); c.332C>T (NM_032217.4); short protein forms T111I.
Identifiers: ClinVar variation 2597394 (VCV002597394.4), dbSNP rs144971270, ClinGen allele CA2959173.

ClinVar aggregate classification (germline): Likely benign. Review status: criteria provided, single submitter (1 of 4 stars). 2 submissions from 2 submitters: Likely benign (1). 1 of the submissions does not count toward it. Last evaluated 2023-08-04.

Conditions:
Inborn genetic diseases. Identifiers: MedGen C0950123, MeSH D030342.
ANKRD17-related disorder. Also called: ANKRD17-related condition.

Allele frequency attached by ClinVar (database versions not stated): ExAC 0.00027; 1000 Genomes Project 30x 0.00078; 1000 Genomes Project 0.00100; gnomAD 0.00102; TOPMed 0.00122; ESP Exome Variant Server 0.00146.
gnomAD v4.1: 351 of 1,613,008 alleles (0.022%); highest among the groups gnomAD compares: African/African-American, 0.41%; no homozygotes.

Submissions (2):

Ambry Genetics
Classification: Likely benign for Inborn genetic diseases. Last evaluated: 2023-08-04. Review status: criteria provided, single submitter. Criteria: Ambry Variant Classification Scheme 2023. Collection method: clinical testing. Allele origin: germline.

PreventionGenetics, part of Exact Sciences
Classification: Likely benign for ANKRD17-related condition. Last evaluated: 2022-04-28. Review status: no assertion criteria provided. Collection method: clinical testing. Allele origin: germline. Not counted in ClinVar's aggregate classification.
Comment: This variant is classified as likely benign based on ACMG/AMP sequence variant interpretation guidelines (Richards et al. 2015 PMID: 25741868, with internal and published modifications).